The following is an entry in ClinVar:

ClinVar aggregate classification (germline): Uncertain significance (1 of 4 stars; one submission).

Submission:

Labcorp Genetics (formerly Invitae), Labcorp
Classification: Uncertain significance. Last evaluated: 2022-09-21. Review status: criteria provided, single submitter. Criteria: Invitae Variant Classification Sherloc (09022015). Collection method: clinical testing. Allele origin: germline.
Comment: In summary, the available evidence is currently insufficient to determine the role of this variant in disease. Therefore, it has been classified as a Variant of Uncertain Significance. Algorithms developed to predict the effect of missense changes on protein structure and function (SIFT, PolyPhen-2, Align-GVGD) all suggest that this variant is likely to be disruptive. This variant has not been reported in the literature in individuals affected with VCAN-related conditions. This variant is not present in population databases (gnomAD no frequency). This sequence change replaces alanine, which is neutral and non-polar, with serine, which is neutral and polar, at codon 3185 of the VCAN protein (p.Ala3185Ser).

NM_004385.5(VCAN):c.9553G>T (p.Ala3185Ser)

Genes: VCAN (versican; plus strand), VCAN-AS1 (VCAN antisense RNA 1; minus strand). Cytogenetic location: 5q14.3.
Variant type: single nucleotide variant.
Coding change: c.9553G>T on transcript NM_004385.5 (MANE Select); coding-DNA position 9553, G replaced by T.
Protein change: p.Ala3185Ser; replaces alanine 3185 with serine.
Molecular consequence: missense variant.
Genome position (GRCh38, 1-based): chr5:83,553,423, G>T. VCF-style: chr5-83553423-G-T. GRCh37 (hg19) VCF-style: chr5-82849242-G-T.
Other names: c.1330G>T, p.Ala444Ser (NM_001126336.3); c.6592G>T, p.Ala2198Ser (NM_001164097.2); c.4291G>T, p.Ala1431Ser (NM_001164098.2); short protein forms A1431S, A2198S, A3185S, A444S.
Identifiers: ClinVar variation 1719987 (VCV001719987.5), dbSNP rs2479154120, ClinGen allele CA360297382.